The following is an entry in ClinVar:

ClinVar aggregate classification (germline): Likely pathogenic (1 of 4 stars; one submission).

Allele frequency attached by ClinVar (database versions not stated): TOPMed below 0.00001; ExAC 0.00001; gnomAD 0.00001; gnomAD exomes 0.00001.

Submission:

Genetic Services Laboratory, University of Chicago
Classification: Likely pathogenic. Last evaluated: 2020-12-09. Review status: criteria provided, single submitter. Criteria: ACMG Guidelines, 2015. Collection method: clinical testing. Allele origin: germline. Affected: yes.
Comment: DNA sequence analysis of the HNF1A gene demonstrated a sequence change, c.146C>A, in exon 1 that results in an amino acid change, p.Ser49Tyr. This sequence change does not appear to have been previously described in patients with HNF1A-related disorders and has been described in two heterozygous individuals in the gnomAD database which corresponds to a population frequency of 0.00083% (dbSNP rs780298807). The p.Ser49Tyr change affects a moderately conserved amino acid residue located in a domain of the HNF1A protein that is known to be functional. The p.Ser49Tyr substitution appears to be deleterious using several in-silico pathogenicity prediction tools (SIFT, PolyPhen2, Align GVGD, REVEL). The c.146C>A sequence change appears to be segregating with the hyperglycemia phenotype with early onset in one family (laboratory data).

NM_000545.8(HNF1A):c.146C>A (p.Ser49Tyr)

Gene: HNF1A (HNF1 homeobox A; plus strand). Cytogenetic location: 12q24.31.
Variant type: single nucleotide variant.
Coding change: c.146C>A on transcript NM_000545.8 (MANE Select); coding-DNA position 146, C replaced by A.
Protein change: p.Ser49Tyr; replaces serine 49 with tyrosine.
Molecular consequence: missense variant.
Genome position (GRCh38, 1-based): chr12:120,978,914, C>A. VCF-style: chr12-120978914-C-A. GRCh37 (hg19) VCF-style: chr12-121416717-C-A.
Other names: c.146C>A, p.Ser49Tyr (NM_001306179.2); short protein forms S49Y.
Identifiers: ClinVar variation 1337740 (VCV001337740.4), dbSNP rs780298807, ClinGen allele CA6831671.